The following is an entry in ClinVar:

NM_004181.5(UCHL1):c.460-3T>C

Gene: UCHL1 (ubiquitin C-terminal hydrolase L1; plus strand). Cytogenetic location: 4p13.
Variant type: single nucleotide variant.
Coding change: c.460-3T>C on transcript NM_004181.5 (MANE Select); 3 bases into the intron before coding-DNA position 460, T replaced by C.
Molecular consequence: intron variant.
Genome position (GRCh38, 1-based): chr4:41,263,222, T>C. VCF-style: chr4-41263222-T-C. GRCh37 (hg19) VCF-style: chr4-41265239-T-C.
Identifiers: ClinVar variation 4810008 (VCV004810008.1).
Genomic context (GRCh38, chr4:41,263,222, plus strand): 5'-TTGCAAGATAATTTTTAAAATACAGCTTACACTCATTTTCAAAAATTTCTTGACTTTCTT[T>C]AGGTAGATGACAAGGTGAATTTCCATTTTATTCTGTTTAACAACGTGGATGGCCACCTCT-3'

ClinVar aggregate classification (germline): Uncertain significance (1 of 4 stars; one submission).

gnomAD v4.1: 17 of 1,613,508 alleles (0.0011%); highest among the groups gnomAD compares: Admixed American, 0.02%; no homozygotes.

Submission:

Labcorp Genetics (formerly Invitae), Labcorp
Classification: Uncertain significance. Last evaluated: 2025-08-29. Review status: criteria provided, single submitter. Criteria: Invitae Variant Classification Sherloc (09022015). Collection method: clinical testing. Allele origin: germline.
Comment: This sequence change falls in intron 6 of the UCHL1 gene. It does not directly change the encoded amino acid sequence of the UCHL1 protein. It affects a nucleotide within the consensus splice site. This variant is present in population databases (rs752732067, gnomAD 0.03%). This variant has not been reported in the literature in individuals affected with UCHL1-related conditions. Variants that disrupt the consensus splice site are a relatively common cause of aberrant splicing (PMID: 17576681, 9536098). Algorithms developed to predict the effect of sequence changes on RNA splicing suggest that this variant is not likely to affect RNA splicing. In summary, the available evidence is currently insufficient to determine the role of this variant in disease. Therefore, it has been classified as a Variant of Uncertain Significance.

Literature cited by the submitters: PubMed 17576681; PubMed 9536098.